The following is an entry in ClinVar:

NM_000044.6(AR):c.1339_1342dup (p.Gly448fs)

Gene: AR (androgen receptor; plus strand). Cytogenetic location: Xq12.
Variant type: Duplication.
Coding change: c.1339_1342dup on transcript NM_000044.6 (MANE Select); coding-DNA positions 1339 to 1342, 4 bases duplicated (TATG; older notation c.1339_1342dupTATG).
Protein change: p.Gly448fs; shifts the reading frame from glycine 448.
Molecular consequence: frameshift variant. On other transcripts: 5 prime UTR variant (1).
Genome position (GRCh38, 1-based): chrX:67,546,485-67,546,488, TATG duplicated; duplicating any 4 consecutive bases within chrX:67,546,483-67,546,488 gives the same sequence; the c. name uses the placement nearest the transcript's 3' end. VCF-style (leftmost placement, unchanged base first): chrX-67546482-T-TTGTA. GRCh37 (hg19) VCF-style: chrX-66766324-T-TTGTA.
Other names: c.-445_-442dup (NM_001011645.3); c.1339_1342dup, p.Gly448fs (NM_001348061.1, NM_001348063.1, NM_001348064.1); c.1339_1342dup, p.Gly448Valfs (NM_001424175.1); short protein forms G448fs.
Identifiers: ClinVar variation 2921352 (VCV002921352.3), dbSNP rs2519609985, ClinGen allele CA2740092170.

ClinVar aggregate classification (germline): Pathogenic (1 of 4 stars; one submission).

Conditions:
Kennedy disease (SMAX1). Also called: SPINAL AND BULBAR MUSCULAR ATROPHY, X-LINKED 1; KENNEDY SPINAL AND BULBAR MUSCULAR ATROPHY; Spinal and Bulbar Muscular Atrophy. Identifiers: Orphanet 481, MedGen C1839259, MONDO:0010735, OMIM 313200.
Androgen resistance syndrome (AIS). Also called: ANDROGEN RECEPTOR DEFICIENCY; DIHYDROTESTOSTERONE RECEPTOR DEFICIENCY; TESTICULAR FEMINIZATION SYNDROME; Androgen insensitivity, complete; Androgen insensitivity syndrome due to coactivator deficiency; Androgen insensitivity syndrome. Identifiers: Orphanet 754, Orphanet 99429, MedGen C0039585, MONDO:0019154, OMIM 300068. Disease mechanism: loss of function.

Submission:

Labcorp Genetics (formerly Invitae), Labcorp
Classification: Pathogenic for Kennedy disease; Androgen resistance syndrome. Last evaluated: 2023-12-12. Review status: criteria provided, single submitter. Criteria: Invitae Variant Classification Sherloc (09022015). Collection method: clinical testing. Allele origin: germline.
Comment: This sequence change creates a premature translational stop signal (p.Gly448Valfs*55) in the AR gene. It is expected to result in an absent or disrupted protein product. Loss-of-function variants in AR are known to be pathogenic (PMID: 19463997). This variant is not present in population databases (gnomAD no frequency). This variant has not been reported in the literature in individuals affected with AR-related conditions. For these reasons, this variant has been classified as Pathogenic.

Literature cited by the submitters: PubMed 19463997.